The following is an entry in ClinVar:

NM_017946.4(FKBP14):c.137A>G (p.Asp46Gly)

Genes: FKBP14 (FKBP prolyl isomerase 14; minus strand), FKBP14-AS1 (FKBP14 antisense RNA 1; plus strand). Cytogenetic location: 7p14.3.
Variant type: single nucleotide variant.
Coding change: c.137A>G on transcript NM_017946.4 (MANE Select); coding-DNA position 137, A replaced by G.
Protein change: p.Asp46Gly; replaces aspartic acid 46 with glycine.
Molecular consequence: missense variant. On other transcripts: non-coding transcript variant (2).
Genome position (GRCh38, 1-based): chr7:30,026,372, T>C on the plus strand (A>G on the coding strand, the complement: FKBP14 is on the minus strand). VCF-style: chr7-30026372-T-C. GRCh37 (hg19) VCF-style: chr7-30065988-T-C.
Other names: short protein forms D46G.
Identifiers: ClinVar variation 1037413 (VCV001037413.9), dbSNP rs1159422560, ClinGen allele CA367117826.
Genomic context (GRCh38, chr7:30,026,372, plus strand): 5'-GTGGAGTGAAATAAGGAGCCGTCCTTTTCTAAGTAGCCTTCATAGTGGACCAACATCAAA[T>C]CCCCTCCTTTGGTCTTGCGATGGCAGATGAATGGCTTCTGGAGAACTTCAATTTTCACTT-3'
Protein context (NP_060416.1, residues 36-56): FICHRKTKGG[Asp46Gly]LMLVHYEGYL

ClinVar aggregate classification (germline): Uncertain significance. Review status: criteria provided, multiple submitters, no conflicts (2 of 4 stars). 2 submissions from 2 submitters: Uncertain significance (2). Last evaluated 2023-11-29.

Conditions:
Ehlers-Danlos syndrome, kyphoscoliotic type, 2. Also called: Ehlers-Danlos syndrome with progressive kyphoscoliosis, myopathy, and hearing loss; Ehlers-Danlos syndrome, kyphoscoliotic and deafness type; FKBP14-Kyphoscoliotic Ehlers-Danlos Syndrome. Identifiers: Orphanet 300179, MedGen C3281160, MONDO:0013800, OMIM 614557.

Allele frequency attached by ClinVar (database versions not stated): gnomAD exomes below 0.00001.
gnomAD v4.1: 1 of 1,614,076 alleles (0.000062%); highest among the groups gnomAD compares: Non-Finnish European, 0.000085%; no homozygotes.

Submissions (2):

Revvity Omics, Revvity
Classification: Uncertain significance for Ehlers-Danlos syndrome, kyphoscoliotic type, 2. Last evaluated: 2023-11-29. Review status: criteria provided, single submitter. Criteria: ACMG Guidelines, 2015. Collection method: clinical testing. Allele origin: germline.

Labcorp Genetics (formerly Invitae), Labcorp
Classification: Uncertain significance for Ehlers-Danlos syndrome, kyphoscoliotic type, 2. Last evaluated: 2022-02-08. Review status: criteria provided, single submitter. Criteria: Invitae Variant Classification Sherloc (09022015). Collection method: clinical testing. Allele origin: germline.
Comment: In summary, the available evidence is currently insufficient to determine the role of this variant in disease. Therefore, it has been classified as a Variant of Uncertain Significance. Algorithms developed to predict the effect of missense changes on protein structure and function (SIFT, PolyPhen-2, Align-GVGD) all suggest that this variant is likely to be disruptive. ClinVar contains an entry for this variant (Variation ID: 1037413). This variant has not been reported in the literature in individuals affected with FKBP14-related conditions. This variant is not present in population databases (gnomAD no frequency). This sequence change replaces aspartic acid, which is acidic and polar, with glycine, which is neutral and non-polar, at codon 46 of the FKBP14 protein (p.Asp46Gly).